The following is an entry in ClinVar:

NM_003124.5(SPR):c.39C>G (p.Thr13=)

Genes: SPR (sepiapterin reductase; plus strand), LOC129934069 (ATAC-STARR-seq lymphoblastoid silent region 11626; plus strand). Cytogenetic location: 2p13.2.
Variant type: single nucleotide variant.
Coding change: c.39C>G on transcript NM_003124.5 (MANE Select); coding-DNA position 39, C replaced by G.
Protein change: p.Thr13=; no amino-acid change (threonine 13 retained).
Molecular consequence: synonymous variant.
Genome position (GRCh38, 1-based): chr2:72,887,471, C>G. VCF-style: chr2-72887471-C-G. GRCh37 (hg19) VCF-style: chr2-73114600-C-G.
Identifiers: ClinVar variation 2089313 (VCV002089313.11), dbSNP rs763505400, ClinGen allele CA426703128.

ClinVar aggregate classification (germline): Likely benign. Review status: criteria provided, multiple submitters, no conflicts (2 of 4 stars). 2 submissions from 2 submitters: Likely benign (2). Last evaluated 2025-09-01.

Conditions:
Dystonic disorder. Also called: Dystonia. Identifiers: MedGen C0013421, MONDO:0003441, HP:0001332.

Submissions (2):

CeGaT Center for Human Genetics Tuebingen
Classification: Likely benign. Last evaluated: 2025-09-01. Review status: criteria provided, single submitter. Criteria: CeGaT Center For Human Genetics Tuebingen Variant Classification Criteria Version 2. Collection method: clinical testing. Allele origin: germline. Affected: yes. Observed: 1 variant allele.
Comment: SPR: BP4, BP7

Labcorp Genetics (formerly Invitae), Labcorp
Classification: Likely benign for Dystonic disorder. Last evaluated: 2023-12-11. Review status: criteria provided, single submitter. Criteria: Invitae Variant Classification Sherloc (09022015). Collection method: clinical testing. Allele origin: germline.